The following is an entry in ClinVar:

ClinVar aggregate classification (germline): not provided (0 of 4 stars; one submission).

Submission:

ITMI
No classification provided. Condition: AllHighlyPenetrant. Last evaluated: 2013-09-19. Review status: no classification provided. Collection method: reference population. Allele origin: germline.
Comment: Please see associated publication for description of ethnicities

Literature cited by the submitters: PubMed 24728327.

NM_080425.4(GNAS):c.1178G>A (p.Arg393Lys)

Gene: GNAS (GNAS complex locus; plus strand). Cytogenetic location: 20q13.32.
Variant type: single nucleotide variant.
Coding change: c.1178G>A on transcript NM_080425.4 (MANE Plus Clinical); coding-DNA position 1178, G replaced by A.
Protein change: p.Arg393Lys; replaces arginine 393 with lysine.
Molecular consequence: missense variant. On other transcripts: intron variant (3).
Genome position (GRCh38, 1-based): chr20:58,854,443, G>A. VCF-style: chr20-58854443-G-A. GRCh37 (hg19) VCF-style: chr20-57429498-G-A.
Other names: c.991G>A, p.Gly331Arg (NM_001077490.3, NM_001309883.1); c.1178G>A, p.Arg393Lys (NM_001410913.1); c.*42+13557G>A (NM_016592.5); c.43+13557G>A (NM_001410912.1); c.-39+12568G>A (NM_001309861.2); short protein forms G331R, R393K.
Identifiers: ClinVar variation 134485 (VCV000134485.3), dbSNP rs587778385, ClinGen allele CA159946.
Genomic context (GRCh38, chr20:58,854,443, plus strand): 5'-TACCCTCTCCGGGGTACGGATCCCCTGCCGCCGGGGCAGCCTCAGCGGATACCGCTGCCA[G>A]GGCAGCCCCTGCAGCCCCAGCCGATCCTGACTCCGGGGCAACCCCAGAAGATCCCGACTC-3'
Protein context (NP_536350.2, residues 383-403): AGAASADTAA[Arg393Lys]AAPAAPADPD